The following is an entry in ClinVar:

NM_004336.5(BUB1):c.2995C>T (p.Leu999Phe)

Gene: BUB1 (BUB1 mitotic checkpoint serine/threonine kinase; minus strand). Cytogenetic location: 2q13.
Variant type: single nucleotide variant.
Coding change: c.2995C>T on transcript NM_004336.5 (MANE Select); coding-DNA position 2995, C replaced by T.
Protein change: p.Leu999Phe; replaces leucine 999 with phenylalanine.
Molecular consequence: missense variant.
Genome position (GRCh38, 1-based): chr2:110,639,809, G>A on the plus strand (C>T on the coding strand, the complement: BUB1 is on the minus strand). VCF-style: chr2-110639809-G-A. GRCh37 (hg19) VCF-style: chr2-111397386-G-A.
Other names: c.2935C>T, p.Leu979Phe (NM_001278616.2); c.2824C>T, p.Leu942Phe (NM_001278617.2); short protein forms L999F, L979F, L942F.
Identifiers: ClinVar variation 1798565 (VCV001798565.2), dbSNP rs1689454348, ClinGen allele CA348088813.

ClinVar aggregate classification (germline): Uncertain significance (1 of 4 stars; one submission).

Submission:

Ambry Genetics
Classification: Uncertain significance. Last evaluated: 2022-07-05. Review status: criteria provided, single submitter. Criteria: Ambry Variant Classification Scheme 2023. Collection method: clinical testing. Allele origin: germline.
Comment: The p.L999F variant (also known as c.2995C>T), located in coding exon 24 of the BUB1 gene, results from a C to T substitution at nucleotide position 2995. The leucine at codon 999 is replaced by phenylalanine, an amino acid with highly similar properties. This amino acid position is conserved. In addition, the in silico prediction for this alteration is inconclusive. Since supporting evidence is limited at this time, the clinical significance of this alteration remains unclear.